The following is an entry in ClinVar:

ClinVar aggregate classification (germline): Uncertain significance. Review status: criteria provided, multiple submitters, no conflicts (2 of 4 stars). 5 submissions from 5 submitters: Uncertain significance (5). Last evaluated 2025-12-29.

Conditions:
POLD1-related polyposis and colorectal cancer syndrome (CRCS10). Also called: Colorectal cancer 10; COLORECTAL CANCER, SUSCEPTIBILITY TO, ON CHROMOSOME 19q; Colorectal cancer, susceptibility to, 10. Identifiers: Orphanet 220460, MedGen C2675481, MONDO:0012953, OMIM 612591.
Hereditary cancer-predisposing syndrome. Also called: Hereditary Cancer Syndrome; Hereditary neoplastic syndrome; Neoplastic Syndromes, Hereditary; Tumor predisposition. Identifiers: Orphanet 140162, MedGen C0027672, MeSH D009386, MONDO:0015356.

Allele frequency attached by ClinVar (database versions not stated): gnomAD exomes below 0.00001.
gnomAD v4.1: 1 of 1,613,340 alleles (0.000062%); highest among the groups gnomAD compares: Non-Finnish European, 0.000085%; no homozygotes.

Submissions (5):

Center for Genomic Medicine, Rigshospitalet, Copenhagen University Hospital
Classification: Uncertain significance. Last evaluated: 2025-12-29. Review status: criteria provided, single submitter. Criteria: ACMG Guidelines, 2015. Collection method: clinical testing. Allele origin: germline.
Comment: Classification criteria: PM2_SUPP; PP3

Labcorp Genetics (formerly Invitae), Labcorp
Classification: Uncertain significance for POLD1-related polyposis and colorectal cancer syndrome. Last evaluated: 2025-08-11. Review status: criteria provided, single submitter. Criteria: Invitae Variant Classification Sherloc (09022015). Collection method: clinical testing. Allele origin: germline.
Comment: This sequence change replaces leucine, which is neutral and non-polar, with valine, which is neutral and non-polar, at codon 406 of the POLD1 protein (p.Leu406Val). This variant is not present in population databases (gnomAD no frequency). This variant has not been reported in the literature in individuals affected with POLD1-related conditions. ClinVar contains an entry for this variant (Variation ID: 1692701). Invitae Evidence Modeling of protein sequence and biophysical properties (such as structural, functional, and spatial information, amino acid conservation, physicochemical variation, residue mobility, and thermodynamic stability) indicates that this missense variant is not expected to disrupt POLD1 protein function with a negative predictive value of 80%. In summary, the available evidence is currently insufficient to determine the role of this variant in disease. Therefore, it has been classified as a Variant of Uncertain Significance.

Baylor Genetics
Classification: Uncertain significance for POLD1-related polyposis and colorectal cancer syndrome. Last evaluated: 2024-03-01. Review status: criteria provided, single submitter. Criteria: ACMG Guidelines, 2015. Collection method: clinical testing. Allele origin: unknown.

Ambry Genetics
Classification: Uncertain significance for Hereditary cancer-predisposing syndrome. Last evaluated: 2021-10-31. Review status: criteria provided, single submitter. Criteria: Ambry Variant Classification Scheme 2023. Collection method: clinical testing. Allele origin: germline.
Comment: The p.L406V variant (also known as c.1216C>G), located in coding exon 9 of the POLD1 gene, results from a C to G substitution at nucleotide position 1216. The leucine at codon 406 is replaced by valine, an amino acid with highly similar properties. This amino acid position is conserved. In addition, this alteration is predicted to be tolerated by in silico analysis. Since supporting evidence is limited at this time, the clinical significance of this alteration remains unclear.

Sema4
Classification: Uncertain significance for Hereditary cancer-predisposing syndrome. Last evaluated: 2021-10-07. Review status: criteria provided, single submitter. Criteria: Sema4 Curation Guidelines. Collection method: curation. Allele origin: germline.
Comment: The POLD1 c.1216C>G (p.L406V) variant has not been reported in the literature to our knowledge. It was not observed in the large and broad cohorts of the Genome Aggregation Database (PMID: 32461654). The variant has not been reported in ClinVar. Functional studies have not been performed, and in silico predictions of the variant's effect on protein function are inconclusive. The evidence is insufficient to meet ACMG/AMP criteria for classifying the variant as benign or pathogenic. Thus, the clinical significance of this variant is currently uncertain.

NM_002691.4(POLD1):c.1216C>G (p.Leu406Val)

Gene: POLD1 (DNA polymerase delta 1, catalytic subunit; plus strand). Cytogenetic location: 19q13.33.
Variant type: single nucleotide variant.
Coding change: c.1216C>G on transcript NM_002691.4 (MANE Select); coding-DNA position 1216, C replaced by G.
Protein change: p.Leu406Val; replaces leucine 406 with valine.
Molecular consequence: missense variant. On other transcripts: non-coding transcript variant (1).
Genome position (GRCh38, 1-based): chr19:50,403,571, C>G. VCF-style: chr19-50403571-C-G. GRCh37 (hg19) VCF-style: chr19-50906828-C-G.
Other names: c.1216C>G, p.Leu406Val (NM_001256849.1, NM_001308632.1); short protein forms L406V.
Identifiers: ClinVar variation 1692701 (VCV001692701.10), dbSNP rs2122279085, ClinGen allele CA406978599.
Genomic context (GRCh38, chr19:50,403,571, plus strand): 5'-CGTATCATGGACCCCGACGTGATCACCGGTTACAACATCCAGAACTTCGACCTTCCGTAC[C>G]TCATCTCTCGGGCCCAGACCCTCAAGGTGAGGGCTGGGCAGGTGGGAGGCTTCTCTCAGA-3'
Protein context (NP_002682.2, residues 396-416): YNIQNFDLPY[Leu406Val]ISRAQTLKVQ